The following is an entry in ClinVar:

ClinVar aggregate classification (germline): Uncertain significance (1 of 4 stars; one submission).

Conditions:
Familial focal epilepsy with variable foci (FPEVF). Identifiers: Orphanet 98820, MedGen C1858477, MONDO:0020310.

Allele frequency attached by ClinVar (database versions not stated): gnomAD exomes below 0.00001; gnomAD 0.00001; TOPMed 0.00001.
gnomAD v4.1: 3 of 1,613,664 alleles (0.00019%); highest among the groups gnomAD compares: African/African-American, 0.0027%; no homozygotes.

Submission:

Labcorp Genetics (formerly Invitae), Labcorp
Classification: Uncertain significance for Familial focal epilepsy with variable foci. Last evaluated: 2022-10-07. Review status: criteria provided, single submitter. Criteria: Invitae Variant Classification Sherloc (09022015). Collection method: clinical testing. Allele origin: germline.
Comment: Algorithms developed to predict the effect of missense changes on protein structure and function are either unavailable or do not agree on the potential impact of this missense change (SIFT: "Tolerated"; PolyPhen-2: "Not Available"; Align-GVGD: "Class C0"). In summary, the available evidence is currently insufficient to determine the role of this variant in disease. Therefore, it has been classified as a Variant of Uncertain Significance. This variant is present in population databases (no rsID available, gnomAD 0.004%). This variant has not been reported in the literature in individuals affected with DEPDC5-related conditions. ClinVar contains an entry for this variant (Variation ID: 1421863). This sequence change replaces histidine, which is basic and polar, with arginine, which is basic and polar, at codon 537 of the DEPDC5 protein (p.His537Arg).

NM_001242896.3(DEPDC5):c.1610A>G (p.His537Arg)

Gene: DEPDC5 (DEP domain containing 5, GATOR1 subcomplex subunit; plus strand). Cytogenetic location: 22q12.3.
Variant type: single nucleotide variant.
Coding change: c.1610A>G on transcript NM_001242896.3 (MANE Select); coding-DNA position 1610, A replaced by G.
Protein change: p.His537Arg; replaces histidine 537 with arginine.
Molecular consequence: missense variant. On other transcripts: non-coding transcript variant (5).
Genome position (GRCh38, 1-based): chr22:31,815,156, A>G. VCF-style: chr22-31815156-A-G. GRCh37 (hg19) VCF-style: chr22-32211142-A-G.
Other names: c.1610A>G, p.His537Arg (NM_001007188.4, NM_001136029.4, NM_001242897.2 and 7 more transcripts); c.1526A>G, p.His509Arg (NM_001369901.1, NM_001369902.1); short protein forms H509R, H537R.
Identifiers: ClinVar variation 1421863 (VCV001421863.8), dbSNP rs988963661, ClinGen allele CA323315664.